The following is an entry in ClinVar:

ClinVar aggregate classification (germline): Pathogenic (1 of 4 stars; one submission).

Conditions:
Breast-ovarian cancer, familial, susceptibility to, 4. Identifiers: Orphanet 145, MedGen C3280345, MONDO:0013669, OMIM 614291.

Submission:

Labcorp Genetics (formerly Invitae), Labcorp
Classification: Pathogenic for Breast-ovarian cancer, familial, susceptibility to, 4. Last evaluated: 2019-08-08. Review status: criteria provided, single submitter. Criteria: Invitae Variant Classification Sherloc (09022015). Collection method: clinical testing. Allele origin: germline.
Comment: Loss-of-function variants in RAD51D are known to be pathogenic (PMID: 21822267). This variant has not been reported in the literature in individuals with RAD51D-related conditions. This variant is not present in population databases (ExAC no frequency). This sequence change creates a premature translational stop signal (p.Gly7*) in the RAD51D gene. It is expected to result in an absent or disrupted protein product. For these reasons, this variant has been classified as Pathogenic.

Literature cited by the submitters: PubMed 21822267.

NM_002878.4(RAD51D):c.19G>T (p.Gly7Ter)

Genes: RAD51D (RAD51 paralog D; minus strand), RAD51L3-RFFL (RAD51L3-RFFL readthrough; minus strand). Cytogenetic location: 17q12.
Variant type: single nucleotide variant.
Coding change: c.19G>T on transcript NM_002878.4 (MANE Select); coding-DNA position 19, G replaced by T.
Protein change: p.Gly7Ter; replaces glycine 7 with a stop codon.
Molecular consequence: nonsense. On other transcripts: non-coding transcript variant (2).
Genome position (GRCh38, 1-based): chr17:35,119,595, C>A on the plus strand (G>T on the coding strand, the complement: RAD51D is on the minus strand). VCF-style: chr17-35119595-C-A. GRCh37 (hg19) VCF-style: chr17-33446614-C-A.
Other names: c.19G>T, p.Gly7Ter (NM_001142571.2, NM_133629.3); short protein forms G7*.
Identifiers: ClinVar variation 958257 (VCV000958257.7), dbSNP rs1064795913, ClinGen allele CA399092548.